The following is an entry in ClinVar:

ClinVar aggregate classification (germline): Uncertain significance (1 of 4 stars; one submission).

Conditions:
Intellectual developmental disorder, autosomal dominant 6, with or without seizures. Also called: Intellectual disability, autosomal dominant 6; GRIN2B-related developmental delay, intellectual disability and autism spectrum disorder. Identifiers: Orphanet 589547, MedGen C3151411, MONDO:0013509, OMIM 613970.
Developmental and epileptic encephalopathy, 27 (DEE27). Also called: GRIN2B-Related Neurodevelopmental Disorder; Epileptic encephalopathy, early infantile, 27. Identifiers: Orphanet 3451, MedGen C4015316, MONDO:0014505, OMIM 616139.

Submission:

Labcorp Genetics (formerly Invitae), Labcorp
Classification: Uncertain significance for Developmental and epileptic encephalopathy, 27; Intellectual developmental disorder, autosomal dominant 6, with or without seizures. Last evaluated: 2019-04-17. Review status: criteria provided, single submitter. Criteria: Invitae Variant Classification Sherloc (09022015). Collection method: clinical testing. Allele origin: germline.
Comment: This variant has not been reported in the literature in individuals with GRIN2B-related conditions. Algorithms developed to predict the effect of missense changes on protein structure and function are either unavailable or do not agree on the potential impact of this missense change (SIFT: "Deleterious"; PolyPhen-2: "Benign"; Align-GVGD: "Class C0"). In summary, the available evidence is currently insufficient to determine the role of this variant in disease. Therefore, it has been classified as a Variant of Uncertain Significance. This variant is not present in population databases (ExAC no frequency). This sequence change replaces isoleucine with methionine at codon 94 of the GRIN2B protein (p.Ile94Met). The isoleucine residue is moderately conserved and there is a small physicochemical difference between isoleucine and methionine.

NM_000834.5(GRIN2B):c.282C>G (p.Ile94Met)

Gene: GRIN2B (glutamate ionotropic receptor NMDA type subunit 2B; minus strand). Cytogenetic location: 12p13.1.
Variant type: single nucleotide variant.
Coding change: c.282C>G on transcript NM_000834.5 (MANE Select); coding-DNA position 282, C replaced by G.
Protein change: p.Ile94Met; replaces isoleucine 94 with methionine.
Molecular consequence: missense variant.
Genome position (GRCh38, 1-based): chr12:13,865,927, G>C on the plus strand (C>G on the coding strand, the complement: GRIN2B is on the minus strand). VCF-style: chr12-13865927-G-C. GRCh37 (hg19) VCF-style: chr12-14018861-G-C.
Other names: short protein forms I94M.
Identifiers: ClinVar variation 852838 (VCV000852838.10), dbSNP rs147132902, ClinGen allele CA384054093.